The following is an entry in ClinVar:

NM_017849.4(TMEM127):c.244+7G>A

Gene: TMEM127 (transmembrane protein 127; minus strand). Cytogenetic location: 2q11.2.
Variant type: single nucleotide variant.
Coding change: c.244+7G>A on transcript NM_017849.4 (MANE Select); 7 bases into the intron after coding-DNA position 244, G replaced by A.
Molecular consequence: intron variant.
Genome position (GRCh38, 1-based): chr2:96,265,131, C>T on the plus strand (G>A on the coding strand, the complement: TMEM127 is on the minus strand). VCF-style: chr2-96265131-C-T. GRCh37 (hg19) VCF-style: chr2-96930869-C-T.
Other names: c.-9+738G>A (NM_001407283.1); c.244+7G>A (NM_001193304.3).
Identifiers: ClinVar variation 2918363 (VCV002918363.4), dbSNP rs1573977543, ClinGen allele CA2577034274.
Genomic context (GRCh38, chr2:96,265,131, plus strand): 5'-TCTGCTTCAGCCAGAACACATTCTGTCCCCCACCGAGGCTTTAAGGGCCAGCGCGCAGCA[C>T]CCTCACCTTTCAGCAGGTCCGGGTGCACATAGCCCAACACGTCGGAGACCCCCAGCTCCT-3'

ClinVar aggregate classification (germline): Likely benign. Review status: criteria provided, multiple submitters, no conflicts (2 of 4 stars). 2 submissions from 2 submitters: Likely benign (2). Last evaluated 2026-07-28.

Conditions:
Hereditary pheochromocytoma and paraganglioma. Also called: Hereditary paragangliomas and pheochromocytomas; Hereditary Paraganglioma-Pheochromocytoma Syndromes; Hereditary pheochromocytoma-paraganglioma. Identifiers: Orphanet 29072, MedGen C4274332, MONDO:0017366.

gnomAD v4.1: 4 of 1,612,282 alleles (0.00025%); highest among the groups gnomAD compares: Non-Finnish European, 0.00034%; no homozygotes.

Submissions (2):

Myriad Genetics, Inc.
Classification: Likely benign for Hereditary pheochromocytoma and paraganglioma. Last evaluated: 2026-07-28. Review status: criteria provided, single submitter. Criteria: Myriad Autosomal Dominant, Autosomal Recessive and X-Linked Classification Criteria (2023). Collection method: clinical testing. Allele origin: unknown.
Comment: This variant is considered likely benign. This variant is intronic and is not expected to impact mRNA splicing.

Labcorp Genetics (formerly Invitae), Labcorp
Classification: Likely benign for Hereditary pheochromocytoma and paraganglioma. Last evaluated: 2025-10-07. Review status: criteria provided, single submitter. Criteria: Invitae Variant Classification Sherloc (09022015). Collection method: clinical testing. Allele origin: germline.